The following is an entry in ClinVar:

ClinVar aggregate classification (germline): Uncertain significance. Review status: criteria provided, single submitter (1 of 4 stars). 2 submissions from 2 submitters: Uncertain significance (1). 1 of the submissions does not count toward it. Last evaluated 2024-02-23.

Conditions:
Cohen syndrome (COH1). Also called: PEPPER SYNDROME; Cutis verticis gyrata, retinitis pigmentosa, and sensorineural deafness. Identifiers: Orphanet 193, MedGen C0265223, MONDO:0008999, OMIM 216550.

Allele frequency attached by ClinVar (database versions not stated): gnomAD exomes 0.00001; ExAC 0.00002.
gnomAD v4.1: 3 of 1,613,850 alleles (0.00019%); highest among the groups gnomAD compares: Non-Finnish European, 0.00025%; no homozygotes.

Submissions (2):

Labcorp Genetics (formerly Invitae), Labcorp
Classification: Uncertain significance for Cohen syndrome. Last evaluated: 2024-02-23. Review status: criteria provided, single submitter. Criteria: Invitae Variant Classification Sherloc (09022015). Collection method: clinical testing. Allele origin: germline.
Comment: This sequence change replaces glycine, which is neutral and non-polar, with serine, which is neutral and polar, at codon 1297 of the VPS13B protein (p.Gly1297Ser). This variant is present in population databases (rs762049347, gnomAD 0.003%). This variant has not been reported in the literature in individuals affected with VPS13B-related conditions. ClinVar contains an entry for this variant (Variation ID: 1015438). Advanced modeling of protein sequence and biophysical properties (such as structural, functional, and spatial information, amino acid conservation, physicochemical variation, residue mobility, and thermodynamic stability) has been performed at Invitae for this missense variant, however the output from this modeling did not meet the statistical confidence thresholds required to predict the impact of this variant on VPS13B protein function. In summary, the available evidence is currently insufficient to determine the role of this variant in disease. Therefore, it has been classified as a Variant of Uncertain Significance.

Natera, Inc.
Classification: Uncertain significance for Cohen syndrome. Last evaluated: 2020-02-26. Review status: no assertion criteria provided. Collection method: clinical testing. Allele origin: germline. Not counted in ClinVar's aggregate classification.

NM_152564.5(VPS13B):c.3889G>A (p.Gly1297Ser)

Gene: VPS13B (vacuolar protein sorting 13 homolog B; plus strand). Cytogenetic location: 8q22.2.
Variant type: single nucleotide variant.
Coding change: c.3889G>A on transcript NM_152564.5 (MANE Select); coding-DNA position 3889, G replaced by A.
Protein change: p.Gly1297Ser; replaces glycine 1297 with serine.
Molecular consequence: missense variant.
Genome position (GRCh38, 1-based): chr8:99,501,705, G>A. VCF-style: chr8-99501705-G-A. GRCh37 (hg19) VCF-style: chr8-100513933-G-A.
Other names: c.3889G>A, p.Gly1297Ser (NM_017890.5); short protein forms G1297S.
Identifiers: ClinVar variation 1015438 (VCV001015438.8), dbSNP rs762049347, ClinGen allele CA4823373.